The following is an entry in ClinVar:

NM_004859.4(CLTC):c.22C>G (p.Arg8Gly)

Gene: CLTC (clathrin heavy chain; plus strand). Cytogenetic location: 17q23.1.
Variant type: single nucleotide variant.
Coding change: c.22C>G on transcript NM_004859.4 (MANE Select); coding-DNA position 22, C replaced by G.
Protein change: p.Arg8Gly; replaces arginine 8 with glycine.
Molecular consequence: missense variant.
Genome position (GRCh38, 1-based): chr17:59,620,153, C>G. VCF-style: chr17-59620153-C-G. GRCh37 (hg19) VCF-style: chr17-57697514-C-G.
Other names: c.22C>G, p.Arg8Gly (NM_001288653.2); short protein forms R8G.
Identifiers: ClinVar variation 2429634 (VCV002429634.3), dbSNP rs1236458972, ClinGen allele CA400416145.

ClinVar aggregate classification (germline): Uncertain significance (1 of 4 stars; one submission).

Allele frequency attached by ClinVar (database versions not stated): gnomAD exomes below 0.00001.
gnomAD v4.1: 1 of 1,614,052 alleles (0.000062%); highest among the groups gnomAD compares: Non-Finnish European, 0.000085%; no homozygotes.

Submission:

GeneDx
Classification: Uncertain significance. Last evaluated: 2025-05-16. Review status: criteria provided, single submitter. Criteria: GeneDx Variant Classification Process June 2021. Collection method: clinical testing. Allele origin: germline. Affected: yes.
Comment: Not observed at significant frequency in large population cohorts (gnomAD); In silico analysis supports that this missense variant has a deleterious effect on protein structure/function; Has not been previously published as pathogenic or benign to our knowledge